The following is an entry in ClinVar:

NM_025215.6(PUS1):c.397G>A (p.Asp133Asn)

Genes: PUS1 (pseudouridine synthase 1; plus strand), LOC132090059 (Neanderthal introgressed variant-containing enhancer experimental_25941; plus strand). Cytogenetic location: 12q24.33.
Variant type: single nucleotide variant.
Coding change: c.397G>A on transcript NM_025215.6 (MANE Select); coding-DNA position 397, G replaced by A.
Protein change: p.Asp133Asn; replaces aspartic acid 133 with asparagine.
Molecular consequence: missense variant.
Genome position (GRCh38, 1-based): chr12:131,932,268, G>A. VCF-style: chr12-131932268-G-A. GRCh37 (hg19) VCF-style: chr12-132416813-G-A.
Other names: p.D133N:GAC>AAC; c.313G>A, p.Asp105Asn (NM_001002019.3, NM_001002020.3); short protein forms D105N, D133N.
Identifiers: ClinVar variation 138859 (VCV000138859.26), dbSNP rs76655496, ClinGen allele CA293008.

ClinVar aggregate classification (germline): Benign/Likely benign. Review status: criteria provided, multiple submitters, no conflicts (2 of 4 stars). 9 submissions from 9 submitters: Benign (4); Likely benign (3). 2 of the submissions do not count toward it. Last evaluated 2026-02-02.

Conditions:
Sideroblastic anemia. Also called: Sideroblastic anaemia. Identifiers: Orphanet 1047, MedGen C0002896, MONDO:0015194, HP:0001924.
Inborn mitochondrial myopathy. Also called: Mitochondrial myopathy; Mitochondrial Myopathies. Identifiers: Orphanet 206966, MedGen C0162670, MONDO:0009637, HP:0003737.
Myopathy, lactic acidosis, and sideroblastic anemia 1 (MLASA1). Identifiers: Orphanet 2598, MedGen C4551958, MONDO:0024553, OMIM 600462.
PUS1-related disorder. Also called: PUS1-related condition.

Allele frequency attached by ClinVar (database versions not stated): ESP Exome Variant Server 0.00292; gnomAD 0.00371 and 0.00683; TOPMed 0.00437; gnomAD exomes 0.00941 and 0.01497; ExAC 0.01618; 1000 Genomes Project 30x 0.02936; 1000 Genomes Project 0.03115.
gnomAD v4.1: 14,938 of 1,614,078 alleles (0.93%); highest among the groups gnomAD compares: South Asian, 8%; 426 homozygotes.

Submissions (9):

Labcorp Genetics (formerly Invitae), Labcorp
Classification: Benign. Last evaluated: 2026-02-02. Review status: criteria provided, single submitter. Criteria: Invitae Variant Classification Sherloc (09022015). Collection method: clinical testing. Allele origin: germline.

Mayo Clinic Laboratories, Mayo Clinic
Classification: Benign. Last evaluated: 2025-08-21. Review status: criteria provided, single submitter. Criteria: ACMG Guidelines, 2015. Collection method: clinical testing. Allele origin: germline. Observed: 12 variant alleles.

ARUP Laboratories, Molecular Genetics and Genomics, ARUP Laboratories
Classification: Benign for Myopathy, lactic acidosis, and sideroblastic anemia 1. Last evaluated: 2023-09-21. Review status: criteria provided, single submitter. Criteria: ARUP Molecular Germline Variant Investigation Process 2024. Collection method: clinical testing. Allele origin: germline.

Fulgent Genetics
Classification: Likely benign for Myopathy, lactic acidosis, and sideroblastic anemia 1. Last evaluated: 2022-02-07. Review status: criteria provided, single submitter. Criteria: ACMG Guidelines, 2015. Collection method: clinical testing. Allele origin: unknown.

Illumina Laboratory Services, Illumina
Classification: Likely benign for Myopathy, lactic acidosis, and sideroblastic anemia 1. Last evaluated: 2017-04-27. Review status: criteria provided, single submitter. Criteria: ICSL Variant Classification Criteria 13 December 2019. Collection method: clinical testing. Allele origin: germline.
Comment: This variant was observed as part of a predisposition screen in an ostensibly healthy population. A literature search was performed for the gene, cDNA change, and amino acid change (where applicable). No publications were found based on this search. Allele frequency data from public databases allowed determination this variant is unlikely to cause disease. Therefore, this variant is classified as likely benign.

GeneDx
Classification: Benign. Last evaluated: 2014-03-22. Review status: criteria provided, single submitter. Criteria: GeneDx Variant Classification (06012015). Collection method: clinical testing. Allele origin: germline. Affected: yes.
Comment: This variant is considered likely benign or benign based on one or more of the following criteria: it is a conservative change, it occurs at a poorly conserved position in the protein, it is predicted to be benign by multiple in silico algorithms, and/or has population frequency not consistent with disease.

Breakthrough Genomics
Classification: Likely benign. Review status: criteria provided, single submitter. Criteria: ACMG Guidelines, 2015. Collection method: not provided. Allele origin: germline. Inheritance: Autosomal recessive inheritance. Affected: yes.

Natera, Inc.
Classification: Benign for Mitochondrial myopathy; sideroblastic anemia. Last evaluated: 2020-09-16. Review status: no assertion criteria provided. Collection method: clinical testing. Allele origin: germline. Not counted in ClinVar's aggregate classification.

PreventionGenetics, part of Exact Sciences
Classification: Benign for PUS1-related condition. Last evaluated: 2019-06-13. Review status: no assertion criteria provided. Collection method: clinical testing. Allele origin: germline. Not counted in ClinVar's aggregate classification.
Comment: This variant is classified as benign based on ACMG/AMP sequence variant interpretation guidelines (Richards et al. 2015 PMID: 25741868, with internal and published modifications).